The following is an entry in ClinVar:

NM_182961.4(SYNE1):c.20544A>C (p.Glu6848Asp)

Gene: SYNE1 (spectrin repeat containing nuclear envelope protein 1; minus strand). Cytogenetic location: 6q25.2.
Variant type: single nucleotide variant.
Coding change: c.20544A>C on transcript NM_182961.4 (MANE Select); coding-DNA position 20544, A replaced by C.
Protein change: p.Glu6848Asp; replaces glutamic acid 6848 with aspartic acid.
Molecular consequence: missense variant.
Genome position (GRCh38, 1-based): chr6:152,233,949, T>G on the plus strand (A>C on the coding strand, the complement: SYNE1 is on the minus strand). VCF-style: chr6-152233949-T-G. GRCh37 (hg19) VCF-style: chr6-152555084-T-G.
Other names: c.20331A>C, p.Glu6777Asp (NM_033071.5); short protein forms E6777D, E6848D.
Identifiers: ClinVar variation 3903302 (VCV003903302.1).

ClinVar aggregate classification (germline): Uncertain significance (1 of 4 stars; one submission).

Submission:

GeneDx
Classification: Uncertain significance. Last evaluated: 2024-12-10. Review status: criteria provided, single submitter. Criteria: GeneDx Variant Classification Process June 2021. Collection method: clinical testing. Allele origin: germline. Affected: yes.
Comment: Not observed at significant frequency in large population cohorts (gnomAD); In silico analysis supports that this missense variant has a deleterious effect on protein structure/function; Has not been previously published as pathogenic or benign to our knowledge